The following is an entry in ClinVar:

NM_170675.5(MEIS2):c.424G>T (p.Glu142Ter)

Gene: MEIS2 (Meis homeobox 2; minus strand). Cytogenetic location: 15q14.
Variant type: single nucleotide variant.
Coding change: c.424G>T on transcript NM_170675.5 (MANE Select); coding-DNA position 424, G replaced by T.
Protein change: p.Glu142Ter; replaces glutamic acid 142 with a stop codon.
Molecular consequence: nonsense. On other transcripts: non-coding transcript variant (1).
Genome position (GRCh38, 1-based): chr15:37,095,578, C>A on the plus strand (G>T on the coding strand, the complement: MEIS2 is on the minus strand). VCF-style: chr15-37095578-C-A. GRCh37 (hg19) VCF-style: chr15-37387779-C-A.
Other names: c.424G>T, p.Glu142Ter (NM_001220482.2, NM_170674.5, NM_170676.5 and 1 more transcripts); c.385G>T, p.Glu129Ter (NM_002399.4, NM_172315.3); c.160G>T, p.Glu54Ter (NM_172316.3); short protein forms E129*, E142*, E54*.
Identifiers: ClinVar variation 620448 (VCV000620448.1), dbSNP rs1567294240, ClinGen allele CA391928389.

ClinVar aggregate classification (germline): Pathogenic (1 of 4 stars; one submission).

Submission:

GeneDx
Classification: Pathogenic. Last evaluated: 2018-10-22. Review status: criteria provided, single submitter. Criteria: GeneDx Variant Classification (06012015). Collection method: clinical testing. Allele origin: germline. Affected: yes.
Comment: The E142X variant in the MEIS2 gene has not been reported previously as a pathogenic variant nor as a benign variant, to our knowledge. This variant is predicted to cause loss of normal protein function either through protein truncation or nonsense-mediated mRNA decay. The E142X variant is not observed in large population cohorts (Lek et al., 2016). We interpret E142X as a pathogenic variant.